The following is an entry in ClinVar:

NM_000548.5(TSC2):c.4461C>T (p.Ser1487=)

Gene: TSC2 (TSC complex subunit 2; plus strand). Cytogenetic location: 16p13.3.
Variant type: single nucleotide variant.
Coding change: c.4461C>T on transcript NM_000548.5 (MANE Select); coding-DNA position 4461, C replaced by T.
Protein change: p.Ser1487=; no amino-acid change (serine 1487 retained).
Molecular consequence: synonymous variant.
Genome position (GRCh38, 1-based): chr16:2,084,683, C>T. VCF-style: chr16-2084683-C-T. GRCh37 (hg19) VCF-style: chr16-2134684-C-T.
Other names: c.4260C>T, p.Ser1420= (NM_001077183.3); c.4392C>T, p.Ser1464= (NM_001114382.3); c.4152C>T, p.Ser1384= (NM_001318827.2); c.4116C>T, p.Ser1372= (NM_001318829.2); c.3729C>T, p.Ser1243= (NM_001318831.2); c.4293C>T, p.Ser1431= (NM_001318832.2); c.4263C>T, p.Ser1421= (NM_001363528.2); c.4329C>T, p.Ser1443= (NM_001370404.1); and 1 more.
Identifiers: ClinVar variation 413633 (VCV000413633.20), dbSNP rs777104003, ClinGen allele CA051255.
Genomic context (GRCh38, chr16:2,084,683, plus strand): 5'-CCCATCACGCAGGGGCAAGAGAGTAGAGAGGGACGCCTTAAAGAGCAGAGCCACAGCCTC[C>T]AATGCAGAGAAAGTGCCAGGCATCAACCCCAGGTGGGCCTCTTGCTTCCGGGCGGGGCTC-3'
Protein context (NP_000539.2, residues 1477-1497): RDALKSRATA[Ser1487=]NAEKVPGINP

ClinVar aggregate classification (germline): Conflicting classifications of pathogenicity. Review status: criteria provided, conflicting classifications (1 of 4 stars). 7 submissions from 7 submitters: Uncertain significance (1); Benign (1); Likely benign (5). Last evaluated 2026-06-01.

Conditions:
Hereditary cancer-predisposing syndrome. Also called: Tumor predisposition; Hereditary neoplastic syndrome; Hereditary Cancer Syndrome; Neoplastic Syndromes, Hereditary. Identifiers: Orphanet 140162, MedGen C0027672, MeSH D009386, MONDO:0015356.
Tuberous sclerosis syndrome (TSC). Also called: Tuberous Sclerosis Complex; Tuberous sclerosis. Identifiers: Orphanet 805, MedGen C0041341, MONDO:0001734.
Tuberous sclerosis 2 (TSC2). Identifiers: Orphanet 805, MedGen C1860707, MONDO:0013199, OMIM 613254.

Allele frequency attached by ClinVar (database versions not stated): ExAC 0.00001; TOPMed 0.00001; gnomAD exomes 0.00002.
gnomAD v4.1: 29 of 1,598,542 alleles (0.0018%); highest among the groups gnomAD compares: Non-Finnish European, 0.0025%; no homozygotes.

Submissions (7):

CeGaT Center for Human Genetics Tuebingen
Classification: Likely benign. Last evaluated: 2026-06-01. Review status: criteria provided, single submitter. Criteria: CeGaT Center For Human Genetics Tuebingen Variant Classification Criteria Version 2. Collection method: clinical testing. Allele origin: germline. Affected: yes. Observed: 1 variant allele.
Comment: TSC2: BP4, BP7

Labcorp Genetics (formerly Invitae), Labcorp
Classification: Likely benign for Tuberous sclerosis 2. Last evaluated: 2026-01-31. Review status: criteria provided, single submitter. Criteria: Invitae Variant Classification Sherloc (09022015). Collection method: clinical testing. Allele origin: germline.

Myriad Genetics, Inc.
Classification: Benign for Tuberous sclerosis 2. Last evaluated: 2025-06-03. Review status: criteria provided, single submitter. Criteria: Myriad Autosomal Dominant, Autosomal Recessive and X-Linked Classification Criteria (2023). Collection method: clinical testing. Allele origin: unknown.
Comment: This variant is considered benign. This variant is a silent/synonymous amino acid change and it is not expected to impact splicing.

All of Us Research Program, National Institutes of Health
Classification: Likely benign for Tuberous sclerosis syndrome. Last evaluated: 2024-05-14. Review status: criteria provided, single submitter. Criteria: ACMG Guidelines, 2015. Collection method: clinical testing. Allele origin: germline. Inheritance: Autosomal dominant inheritance. Observed: 3 variant alleles, 3 heterozygotes.
Comment: This study involves interpretation of variants in research participants for the purpose of population health screening. Participant phenotype was not available at the time of variant classification. Additional details can be found in publication PMID: 35346344, PMCID: PMC8962531

Color Diagnostics, LLC DBA Color Health
Classification: Likely benign for Tuberous sclerosis syndrome. Last evaluated: 2022-10-09. Review status: criteria provided, single submitter. Criteria: ACMG Guidelines, 2015. Collection method: clinical testing. Allele origin: germline.

Sema4
Classification: Uncertain significance for Hereditary cancer-predisposing syndrome. Last evaluated: 2021-12-17. Review status: criteria provided, single submitter. Criteria: Sema4 Curation Guidelines. Collection method: curation. Allele origin: germline.
Comment: The TSC2 c.4461C>T (p.S1487=) variant has not been reported in the literature to our knowledge. It was observed in 4/110734 chromosomes of the Non-Finnish European subpopulation in the large and broad cohorts of the Genome Aggregation Database (PMID: 32461654). The variant has been reported in ClinVar (Variation ID 413633). In silico tools suggest that the variant does not impact splicing, though these predictions have not been confirmed by functional studies. The evidence is insufficient to meet ACMG/AMP criteria for classifying the variant as benign or pathogenic. Thus, the clinical significance of this variant is currently uncertain.

Ambry Genetics
Classification: Likely benign for Hereditary cancer-predisposing syndrome. Last evaluated: 2019-10-17. Review status: criteria provided, single submitter. Criteria: Ambry Variant Classification Scheme 2023. Collection method: clinical testing. Allele origin: germline.